The following is an entry in ClinVar:

NM_012448.4(STAT5B):c.690C>T (p.Ala230=)

Gene: STAT5B (signal transducer and activator of transcription 5B; minus strand). Cytogenetic location: 17q21.2.
Variant type: single nucleotide variant.
Coding change: c.690C>T on transcript NM_012448.4 (MANE Select); coding-DNA position 690, C replaced by T.
Protein change: p.Ala230=; no amino-acid change (alanine 230 retained).
Molecular consequence: synonymous variant.
Genome position (GRCh38, 1-based): chr17:42,219,455, G>A on the plus strand (C>T on the coding strand, the complement: STAT5B is on the minus strand). VCF-style: chr17-42219455-G-A. GRCh37 (hg19) VCF-style: chr17-40371473-G-A.
Identifiers: ClinVar variation 466225 (VCV000466225.16), dbSNP rs555155085, ClinGen allele CA8574204.

ClinVar aggregate classification (germline): Benign/Likely benign. Review status: criteria provided, multiple submitters, no conflicts (2 of 4 stars). 4 submissions from 4 submitters: Benign (2); Likely benign (2). Last evaluated 2026-06-01.

Conditions:
Growth hormone insensitivity with immune dysregulation 1, autosomal recessive. Also called: Laron syndrome with immunodeficiency; GROWTH HORMONE INSENSITIVITY SYNDROME WITH IMMUNE DYSREGULATION 1, AUTOSOMAL RECESSIVE; GROWTH HORMONE INSENSITIVITY DUE TO POSTRECEPTOR DEFECT; LARON SYNDROME DUE TO POSTRECEPTOR DEFECT. Identifiers: Orphanet 220465, MedGen C5435698, MONDO:0100211, OMIM 245590.

Allele frequency attached by ClinVar (database versions not stated): gnomAD exomes 0.00082; 1000 Genomes Project 0.00200; 1000 Genomes Project 30x 0.00234; gnomAD 0.00243 and 0.00268; TOPMed 0.00303; ExAC 0.00409.
gnomAD v4.1: 786 of 1,437,330 alleles (0.055%); highest among the groups gnomAD compares: African/African-American, 1%; 5 homozygotes.

Submissions (4):

CeGaT Center for Human Genetics Tuebingen
Classification: Likely benign. Last evaluated: 2026-06-01. Review status: criteria provided, single submitter. Criteria: CeGaT Center For Human Genetics Tuebingen Variant Classification Criteria Version 2. Collection method: clinical testing. Allele origin: germline. Affected: yes. Observed: 1 variant allele.
Comment: STAT5B: BP4, BP7, BS1

Blueprint Genetics
Classification: Likely benign. Last evaluated: 2024-10-16. Review status: criteria provided, single submitter. Criteria: ACMG Guidelines, 2015. Collection method: clinical testing. Allele origin: germline.

Labcorp Genetics (formerly Invitae), Labcorp
Classification: Benign for Growth hormone insensitivity with immune dysregulation 1, autosomal recessive. Last evaluated: 2024-02-24. Review status: criteria provided, single submitter. Criteria: Invitae Variant Classification Sherloc (09022015). Collection method: clinical testing. Allele origin: germline.

Breakthrough Genomics
Classification: Benign. Review status: criteria provided, single submitter. Criteria: ACMG Guidelines, 2015. Collection method: not provided. Allele origin: germline. Inheritance: Autosomal recessive inheritance. Affected: yes.